The following is an entry in ClinVar:

ClinVar aggregate classification (germline): Benign (0 of 4 stars; one submission).

Conditions:
MCM8-related disorder. Also called: MCM8-related condition.

Allele frequency attached by ClinVar (database versions not stated): gnomAD exomes 0.00017; ExAC 0.00069; gnomAD 0.00218; 1000 Genomes Project 30x 0.00219; 1000 Genomes Project 0.00220; TOPMed 0.00240; ESP Exome Variant Server 0.00261.
gnomAD v4.1: 585 of 1,614,116 alleles (0.036%); highest among the groups gnomAD compares: African/African-American, 0.7%; 6 homozygotes.

Submission:

PreventionGenetics, part of Exact Sciences
Classification: Benign for MCM8-related condition. Last evaluated: 2019-06-07. Review status: no assertion criteria provided. Collection method: clinical testing. Allele origin: germline.
Comment: This variant is classified as benign based on ACMG/AMP sequence variant interpretation guidelines (Richards et al. 2015 PMID: 25741868, with internal and published modifications).

NM_032485.6(MCM8):c.954T>C (p.Asp318=)

Gene: MCM8 (minichromosome maintenance 8 homologous recombination repair factor; plus strand). Cytogenetic location: 20p12.3.
Variant type: single nucleotide variant.
Coding change: c.954T>C on transcript NM_032485.6 (MANE Select); coding-DNA position 954, T replaced by C.
Protein change: p.Asp318=; no amino-acid change (aspartic acid 318 retained).
Molecular consequence: synonymous variant.
Genome position (GRCh38, 1-based): chr20:5,967,514, T>C. VCF-style: chr20-5967514-T-C. GRCh37 (hg19) VCF-style: chr20-5948160-T-C.
Other names: c.954T>C, p.Asp318= (NM_001281520.2, NM_001281521.2, NM_001281522.2 and 1 more transcripts).
Identifiers: ClinVar variation 3039153 (VCV003039153.2), dbSNP rs149767423, ClinGen allele CA9756639.